The following is an entry in ClinVar:

NM_014989.7(RIMS1):c.2870A>G (p.His957Arg)

Gene: RIMS1 (regulating synaptic membrane exocytosis 1; plus strand). Cytogenetic location: 6q13.
Variant type: single nucleotide variant.
Coding change: c.2870A>G on transcript NM_014989.7 (MANE Select); coding-DNA position 2870, A replaced by G.
Protein change: p.His957Arg; replaces histidine 957 with arginine.
Molecular consequence: missense variant.
Genome position (GRCh38, 1-based): chr6:72,258,224, A>G. VCF-style: chr6-72258224-A-G. GRCh37 (hg19) VCF-style: chr6-72967927-A-G.
Other names: c.2870A>G (NM_014989.4); c.1289A>G, p.His430Arg (NM_001168407.2, NM_001350415.2, NM_001350418.2 and 19 more transcripts); c.1292A>G, p.His431Arg (NM_001168408.2, NM_001350414.2, NM_001350416.2 and 15 more transcripts); c.1049A>G, p.His350Arg (NM_001168409.2, NM_001350464.2, NM_001350465.2 and 3 more transcripts); c.1247A>G, p.His416Arg (NM_001168410.2, NM_001350470.2, NM_001350473.2 and 1 more transcripts); c.1220A>G, p.His407Arg (NM_001350430.2, NM_001350437.2, NM_001350450.2 and 2 more transcripts); c.1223A>G, p.His408Arg (NM_001350459.2, NM_001350424.2, NM_001350428.2 and 1 more transcripts); c.1244A>G, p.His415Arg (NM_001350472.2); and 1 more; short protein forms H407R, H416R, H957R, H408R, H349R, H350R, H430R, H415R.
Identifiers: ClinVar variation 1359355 (VCV001359355.9), dbSNP rs780751006, ClinGen allele CA3886052.

ClinVar aggregate classification (germline): Uncertain significance. Review status: criteria provided, multiple submitters, no conflicts (2 of 4 stars). 2 submissions from 2 submitters: Uncertain significance (2). Last evaluated 2024-04-15.

Allele frequency attached by ClinVar (database versions not stated): gnomAD exomes below 0.00001; ExAC 0.00001; TOPMed 0.00001.
gnomAD v4.1: 3 of 1,613,462 alleles (0.00019%); highest among the groups gnomAD compares: African/African-American, 0.0013%; no homozygotes.

Submissions (2):

Ambry Genetics
Classification: Uncertain significance. Last evaluated: 2024-04-15. Review status: criteria provided, single submitter. Criteria: Ambry Variant Classification Scheme 2023. Collection method: clinical testing. Allele origin: germline.

Labcorp Genetics (formerly Invitae), Labcorp
Classification: Uncertain significance. Last evaluated: 2023-04-05. Review status: criteria provided, single submitter. Criteria: Invitae Variant Classification Sherloc (09022015). Collection method: clinical testing. Allele origin: germline.
Comment: In summary, the available evidence is currently insufficient to determine the role of this variant in disease. Therefore, it has been classified as a Variant of Uncertain Significance. This sequence change replaces histidine, which is basic and polar, with arginine, which is basic and polar, at codon 957 of the RIMS1 protein (p.His957Arg). This variant has not been reported in the literature in individuals affected with RIMS1-related conditions. ClinVar contains an entry for this variant (Variation ID: 1359355). An algorithm developed to predict the effect of missense changes on protein structure and function (PolyPhen-2) suggests that this variant is likely to be disruptive. This variant is present in population databases (rs780751006, gnomAD 0.0009%).